The following is an entry in ClinVar:

NM_017841.4(SDHAF2):c.152C>T (p.Pro51Leu)

Gene: SDHAF2 (succinate dehydrogenase complex assembly factor 2; plus strand). Cytogenetic location: 11q12.2.
Variant type: single nucleotide variant.
Coding change: c.152C>T on transcript NM_017841.4 (MANE Select); coding-DNA position 152, C replaced by T.
Protein change: p.Pro51Leu; replaces proline 51 with leucine.
Molecular consequence: missense variant.
Genome position (GRCh38, 1-based): chr11:61,437,740, C>T. VCF-style: chr11-61437740-C-T. GRCh37 (hg19) VCF-style: chr11-61205212-C-T.
Other names: short protein forms P51L.
Identifiers: ClinVar variation 1404409 (VCV001404409.10), dbSNP rs1371376884, ClinGen allele CA380683358.
Genomic context (GRCh38, chr11:61,437,740, plus strand): 5'-TCAGACGCTTCTACAGAGGTGACAGCCCAACAGATTCCCAAAAGGACATGATTGAAATCC[C>T]TTTGCCTCCATGGCAGGAGAGAACTGATGAATCCATAGAAACCAAAAGAGCCCGCCTGCT-3'
Protein context (NP_060311.1, residues 41-61): TDSQKDMIEI[Pro51Leu]LPPWQERTDE

ClinVar aggregate classification (germline): Uncertain significance. Review status: criteria provided, multiple submitters, no conflicts (2 of 4 stars). 3 submissions from 3 submitters: Uncertain significance (3). Last evaluated 2025-03-01.

Conditions:
Hereditary pheochromocytoma and paraganglioma. Also called: Hereditary paragangliomas and pheochromocytomas; Hereditary Paraganglioma-Pheochromocytoma Syndromes; Hereditary pheochromocytoma-paraganglioma. Identifiers: Orphanet 29072, MedGen C4274332, MONDO:0017366.
Hereditary cancer-predisposing syndrome. Also called: Tumor predisposition; Hereditary Cancer Syndrome; Hereditary neoplastic syndrome; Neoplastic Syndromes, Hereditary. Identifiers: Orphanet 140162, MedGen C0027672, MeSH D009386, MONDO:0015356.

gnomAD v4.1: 2 of 1,614,154 alleles (0.00012%); highest among the groups gnomAD compares: Non-Finnish European, 0.00017%; no homozygotes.

Submissions (3):

Ambry Genetics
Classification: Uncertain significance for Hereditary cancer-predisposing syndrome. Last evaluated: 2025-03-01. Review status: criteria provided, single submitter. Criteria: Ambry Variant Classification Scheme 2023. Collection method: clinical testing. Allele origin: germline.
Comment: The p.P51L variant (also known as c.152C>T), located in coding exon 2 of the SDHAF2 gene, results from a C to T substitution at nucleotide position 152. The proline at codon 51 is replaced by leucine, an amino acid with similar properties. This amino acid position is conserved. In addition, the in silico prediction for this alteration is inconclusive. Since supporting evidence is limited at this time, the clinical significance of this alteration remains unclear.

Quest Diagnostics Nichols Institute San Juan Capistrano
Classification: Uncertain significance. Last evaluated: 2023-06-01. Review status: criteria provided, single submitter. Criteria: Quest Diagnostics criteria. Collection method: clinical testing. Allele origin: unknown.
Comment: This variant has not been reported in the published literature. It also has not been reported in large, multi-ethnic general populations (Genome Aggregation Database). Analysis of this variant using bioinformatics tools for the prediction of the effect of amino acid changes on protein structure and function yielded conflicting predictions that this variant is deleterious or benign. Based on the available information, we are unable to determine the clinical significance of this variant.

Labcorp Genetics (formerly Invitae), Labcorp
Classification: Uncertain significance for Hereditary pheochromocytoma and paraganglioma. Last evaluated: 2021-04-28. Review status: criteria provided, single submitter. Criteria: Invitae Variant Classification Sherloc (09022015). Collection method: clinical testing. Allele origin: germline.
Comment: In summary, the available evidence is currently insufficient to determine the role of this variant in disease. Therefore, it has been classified as a Variant of Uncertain Significance. Algorithms developed to predict the effect of missense changes on protein structure and function (SIFT, PolyPhen-2, Align-GVGD) all suggest that this variant is likely to be tolerated, but these predictions have not been confirmed by published functional studies and their clinical significance is uncertain. This variant has not been reported in the literature in individuals with SDHAF2-related conditions. This variant is not present in population databases (ExAC no frequency). This sequence change replaces proline with leucine at codon 51 of the SDHAF2 protein (p.Pro51Leu). The proline residue is moderately conserved and there is a moderate physicochemical difference between proline and leucine.